The following is an entry in ClinVar:

NM_006019.4(TCIRG1):c.1555-1G>C

Gene: TCIRG1 (T cell immune regulator 1, ATPase H+ transporting V0 subunit a3; plus strand). Cytogenetic location: 11q13.2.
Variant type: single nucleotide variant.
Coding change: c.1555-1G>C on transcript NM_006019.4 (MANE Select); the canonical splice acceptor site of the intron before coding-DNA position 1555, G replaced by C.
Molecular consequence: splice acceptor variant.
Genome position (GRCh38, 1-based): chr11:68,048,878, G>C. VCF-style: chr11-68048878-G-C. GRCh37 (hg19) VCF-style: chr11-67816345-G-C.
Other names: c.595-1G>C (NM_001440569.1); c.1342-1G>C (NM_001440561.1, NM_001440566.1, NM_001440560.1 and 2 more transcripts); c.1513-1G>C (NM_001440555.1, NM_001440556.1, NM_001440563.1); c.661-1G>C (NM_001351059.2); c.1555-1G>C (NM_001440558.1, NM_001440553.1, NM_001440554.1 and 2 more transcripts); c.1093-1G>C (NM_001440567.1); c.1255-1G>C (NM_001440565.1); c.1300-1G>C (NM_001440564.1); and 2 more.
Identifiers: ClinVar variation 4815479 (VCV004815479.1).

ClinVar aggregate classification (germline): Pathogenic (1 of 4 stars; one submission).

Conditions:
Autosomal recessive osteopetrosis 1. Also called: ALBERS-SCHONBERG DISEASE, AUTOSOMAL RECESSIVE; TCIRG1-Related Autosomal Recessive Osteopetrosis; TCIRG1-Related Osteopetrosis. Identifiers: Orphanet 667, MedGen C1850127, MONDO:0009815, OMIM 259700.

Submission:

Natera, Inc.
Classification: Pathogenic for Infantile malignant osteopetrosis. Last evaluated: 2024-11-12. Review status: criteria provided, single submitter. Criteria: Natera Variant Classification Schema (03/2026). Collection method: clinical testing. Allele origin: germline.
Comment: The c.1555-1G>C variant in TCIRG1 is a canonical splice acceptor site variant predicted to affect pre-mRNA splicing, which may result in an abnormal transcript and altered protein product. This variant is expected to result in nonsense mediated decay, truncation, or a dysfunctional protein product. This variant is rare in the general population with a frequency below the threshold expected for the associated phenotype(s). Another variant at this same site results in an alteration predicted to cause a similar molecular effect has been observed in individual(s) with the associated phenotype. Given the available evidence, this variant is classified as Pathogenic.